The following is an entry in ClinVar:

NM_006531.5(IFT88):c.250A>G (p.Thr84Ala)

Gene: IFT88 (intraflagellar transport 88; plus strand). Cytogenetic location: 13q12.11.
Variant type: single nucleotide variant.
Coding change: c.250A>G on transcript NM_006531.5 (MANE Select); coding-DNA position 250, A replaced by G.
Protein change: p.Thr84Ala; replaces threonine 84 with alanine.
Molecular consequence: missense variant. On other transcripts: 5 prime UTR variant (1), non-coding transcript variant (5).
Genome position (GRCh38, 1-based): chr13:20,591,006, A>G. VCF-style: chr13-20591006-A-G. GRCh37 (hg19) VCF-style: chr13-21165145-A-G.
Other names: c.193A>G, p.Thr65Ala (NM_001318491.2, NM_001353573.2, NM_001353574.2 and 1 more transcripts); c.277A>G, p.Thr93Ala (NM_001318493.2, NM_001353565.2, NM_001353566.2 and 6 more transcripts); c.250A>G, p.Thr84Ala (NM_001353568.2, NM_001353571.2, NM_001353572.2 and 1 more transcripts); c.-314A>G (NM_001353579.2); c.277A>G (NM_175605.4); short protein forms T65A, T84A, T93A.
Identifiers: ClinVar variation 1593767 (VCV001593767.11), dbSNP rs148678288, ClinGen allele CA6905005.

ClinVar aggregate classification (germline): Likely benign. Review status: criteria provided, multiple submitters, no conflicts (2 of 4 stars). 3 submissions from 3 submitters: Likely benign (2). 1 of the submissions does not count toward it. Last evaluated 2026-01-27.

Conditions:
IFT88-related disorder. Also called: IFT88-related condition.

Allele frequency attached by ClinVar (database versions not stated): gnomAD exomes 0.00019 and 0.00044; ExAC 0.00052; ESP Exome Variant Server 0.00138; gnomAD 0.00144 and 0.00156; TOPMed 0.00156; 1000 Genomes Project 0.00180; 1000 Genomes Project 30x 0.00187.
gnomAD v4.1: 535 of 1,609,860 alleles (0.033%); highest among the groups gnomAD compares: African/African-American, 0.52%; 2 homozygotes.

Submissions (3):

Labcorp Genetics (formerly Invitae), Labcorp
Classification: Likely benign. Last evaluated: 2026-01-27. Review status: criteria provided, single submitter. Criteria: Invitae Variant Classification Sherloc (09022015). Collection method: clinical testing. Allele origin: germline.

Breakthrough Genomics
Classification: Likely benign. Review status: criteria provided, single submitter. Criteria: ACMG Guidelines, 2015. Collection method: not provided. Allele origin: germline. Inheritance: Unknown mechanism. Affected: yes.

PreventionGenetics, part of Exact Sciences
Classification: Likely benign for IFT88-related condition. Last evaluated: 2022-07-26. Review status: no assertion criteria provided. Collection method: clinical testing. Allele origin: germline. Not counted in ClinVar's aggregate classification.
Comment: This variant is classified as likely benign based on ACMG/AMP sequence variant interpretation guidelines (Richards et al. 2015 PMID: 25741868, with internal and published modifications).